The following is an entry in ClinVar:

ClinVar aggregate classification (germline): Uncertain significance. Review status: criteria provided, multiple submitters, no conflicts (2 of 4 stars). 2 submissions from 2 submitters: Uncertain significance (2). Last evaluated 2024-11-25.

Conditions:
Inborn genetic diseases. Identifiers: MedGen C0950123, MeSH D030342.

Allele frequency attached by ClinVar (database versions not stated): gnomAD 0.00001; gnomAD exomes 0.00004; ExAC 0.00011.
gnomAD v4.1: 64 of 1,614,040 alleles (0.004%); highest among the groups gnomAD compares: South Asian, 0.068%; 1 homozygote.

Submissions (2):

Labcorp Genetics (formerly Invitae), Labcorp
Classification: Uncertain significance. Last evaluated: 2024-11-25. Review status: criteria provided, single submitter. Criteria: Invitae Variant Classification Sherloc (09022015). Collection method: clinical testing. Allele origin: germline.
Comment: This sequence change replaces isoleucine, which is neutral and non-polar, with phenylalanine, which is neutral and non-polar, at codon 1642 of the RP1 protein (p.Ile1642Phe). This variant is present in population databases (rs769678018, gnomAD 0.07%). This variant has not been reported in the literature in individuals affected with RP1-related conditions. ClinVar contains an entry for this variant (Variation ID: 2524320). An algorithm developed to predict the effect of missense changes on protein structure and function (PolyPhen-2) suggests that this variant is likely to be tolerated. In summary, the available evidence is currently insufficient to determine the role of this variant in disease. Therefore, it has been classified as a Variant of Uncertain Significance.

Ambry Genetics
Classification: Uncertain significance for Inborn genetic diseases. Last evaluated: 2023-05-23. Review status: criteria provided, single submitter. Criteria: Ambry Variant Classification Scheme 2023. Collection method: clinical testing. Allele origin: germline.

NM_006269.2(RP1):c.4924A>T (p.Ile1642Phe)

Genes: RP1 (RP1 axonemal microtubule associated; plus strand), LOC126860392 (CDK7 strongly-dependent group 2 enhancer GRCh37_chr8:55541319-55542518; plus strand). Cytogenetic location: 8q12.1.
Variant type: single nucleotide variant.
Coding change: c.4924A>T on transcript NM_006269.2 (MANE Select); coding-DNA position 4924, A replaced by T.
Protein change: p.Ile1642Phe; replaces isoleucine 1642 with phenylalanine.
Molecular consequence: missense variant. On other transcripts: intron variant (1).
Genome position (GRCh38, 1-based): chr8:54,628,806, A>T. VCF-style: chr8-54628806-A-T. GRCh37 (hg19) VCF-style: chr8-55541366-A-T.
Other names: c.787+6518A>T (NM_001375654.1); short protein forms I1642F.
Identifiers: ClinVar variation 2524320 (VCV002524320.4), dbSNP rs769678018, ClinGen allele CA4751971.
Genomic context (GRCh38, chr8:54,628,806, plus strand): 5'-GAATATAACATAGGATTTGTTAAAAGGGCAATAGAAAAACTGTACGGTAAAGCAGATATT[A>T]TCAAACCATCTTTTTTTCCTGGGTCTACCCGCAAATCTCAGGTTTGTCCTTATAATTCTG-3'
Protein context (NP_006260.1, residues 1632-1652): IEKLYGKADI[Ile1642Phe]KPSFFPGSTR